The following is an entry in ClinVar:

ClinVar aggregate classification (germline): Uncertain significance (1 of 4 stars; one submission).

Submission:

Labcorp Genetics (formerly Invitae), Labcorp
Classification: Uncertain significance. Last evaluated: 2024-06-04. Review status: criteria provided, single submitter. Criteria: Invitae Variant Classification Sherloc (09022015). Collection method: clinical testing. Allele origin: germline.
Comment: This sequence change replaces aspartic acid, which is acidic and polar, with glutamic acid, which is acidic and polar, at codon 231 of the NRL protein (p.Asp231Glu). This variant is not present in population databases (gnomAD no frequency). This variant has not been reported in the literature in individuals affected with NRL-related conditions. ClinVar contains an entry for this variant (Variation ID: 1719071). Algorithms developed to predict the effect of missense changes on protein structure and function output the following: SIFT: "Not Available"; PolyPhen-2: "Possibly Damaging"; Align-GVGD: "Not Available". The glutamic acid amino acid residue is found in multiple mammalian species, which suggests that this missense change does not adversely affect protein function. In summary, the available evidence is currently insufficient to determine the role of this variant in disease. Therefore, it has been classified as a Variant of Uncertain Significance.

NM_001354768.3(NRL):c.693C>G (p.Asp231Glu)

Genes: NRL (neural retina leucine zipper; minus strand), LOC130055387 (ATAC-STARR-seq lymphoblastoid silent region 5620; plus strand). Cytogenetic location: 14q11.2.
Variant type: single nucleotide variant.
Coding change: c.693C>G on transcript NM_001354768.3 (MANE Select); coding-DNA position 693, C replaced by G.
Protein change: p.Asp231Glu; replaces aspartic acid 231 with glutamic acid.
Molecular consequence: missense variant.
Genome position (GRCh38, 1-based): chr14:24,081,257, G>C on the plus strand (C>G on the coding strand, the complement: NRL is on the minus strand). VCF-style: chr14-24081257-G-C. GRCh37 (hg19) VCF-style: chr14-24550466-G-C.
Other names: c.693C>G, p.Asp231Glu (NM_001354769.1, NM_006177.5); c.378C>G, p.Asp126Glu (NM_001354770.2); short protein forms D126E, D231E.
Identifiers: ClinVar variation 1719071 (VCV001719071.6), dbSNP rs950907405, ClinGen allele CA389276086.